The following is an entry in ClinVar:

ClinVar aggregate classification (germline): Uncertain significance (1 of 4 stars; one submission).

Conditions:
Familial adenomatous polyposis 1 (FAP1). Also called: FAMILIAL ADENOMATOUS POLYPOSIS 1, ATTENUATED; POLYPOSIS, ADENOMATOUS INTESTINAL. Identifiers: MedGen C2713442, MONDO:0021056, OMIM 175100. Disease mechanism: loss of function.

Allele frequency attached by ClinVar (database versions not stated): gnomAD exomes below 0.00001.
gnomAD v4.1: 1 of 1,613,198 alleles (0.000062%); highest among the groups gnomAD compares: Admixed American, 0.0017%; no homozygotes.

Submission:

Labcorp Genetics (formerly Invitae), Labcorp
Classification: Uncertain significance for Familial adenomatous polyposis 1. Last evaluated: 2021-07-31. Review status: criteria provided, single submitter. Criteria: Invitae Variant Classification Sherloc (09022015). Collection method: clinical testing. Allele origin: germline.
Comment: In summary, the available evidence is currently insufficient to determine the role of this variant in disease. Therefore, it has been classified as a Variant of Uncertain Significance. Algorithms developed to predict the effect of missense changes on protein structure and function are either unavailable or do not agree on the potential impact of this missense change (SIFT: "Deleterious"; PolyPhen-2: "Possibly Damaging"; Align-GVGD: "Class C0"). This variant has not been reported in the literature in individuals affected with APC-related conditions. This variant is not present in population databases (ExAC no frequency). This sequence change replaces glutamic acid with glycine at codon 202 of the APC protein (p.Glu202Gly). The glutamic acid residue is highly conserved and there is a moderate physicochemical difference between glutamic acid and glycine.

NM_000038.6(APC):c.605A>G (p.Glu202Gly)

Gene: APC (APC regulator of Wnt signaling pathway; plus strand). Cytogenetic location: 5q22.2.
Variant type: single nucleotide variant.
Coding change: c.605A>G on transcript NM_000038.6 (MANE Select); coding-DNA position 605, A replaced by G.
Protein change: p.Glu202Gly; replaces glutamic acid 202 with glycine.
Molecular consequence: missense variant. On other transcripts: 5 prime UTR variant (1).
Genome position (GRCh38, 1-based): chr5:112,780,863, A>G. VCF-style: chr5-112780863-A-G. GRCh37 (hg19) VCF-style: chr5-112116560-A-G.
Other names: c.605A>G, p.Glu202Gly (NM_001127510.3, NM_001354895.2, NM_001354896.2 and 2 more transcripts); c.635A>G, p.Glu212Gly (NM_001127511.3, NM_001354897.2, NM_001354902.2); c.530A>G, p.Glu177Gly (NM_001354898.2, NM_001354904.2); c.428A>G, p.Glu143Gly (NM_001354900.2, NM_001354901.2, NM_001354905.2); c.-431A>G (NM_001354906.2); short protein forms E202G, E212G, E143G, E177G.
Identifiers: ClinVar variation 1505519 (VCV001505519.8), dbSNP rs1580380108, ClinGen allele CA16022662.
Genomic context (GRCh38, chr5:112,780,863, plus strand): 5'-CAGATATGACCAGAAGGCAATTGGAATATGAAGCAAGGCAAATCAGAGTTGCGATGGAAG[A>G]ACAACTAGGTACCTGCCAGGATATGGAAAAACGAGCACAGGTAAGTTACTTGTTTCTAAG-3'
Protein context (NP_000029.2, residues 192-212): EARQIRVAME[Glu202Gly]QLGTCQDMEK